The following is an entry in ClinVar:

NM_002878.4(RAD51D):c.263+1519C>T

Genes: RAD51D (RAD51 paralog D; minus strand), RAD51L3-RFFL (RAD51L3-RFFL readthrough; minus strand). Cytogenetic location: 17q12.
Variant type: single nucleotide variant.
Coding change: c.263+1519C>T on transcript NM_002878.4 (MANE Select); 1519 bases into the intron after coding-DNA position 263, C replaced by T.
Molecular consequence: intron variant. On other transcripts: missense variant (1).
Genome position (GRCh38, 1-based): chr17:35,116,982, G>A on the plus strand (C>T on the coding strand, the complement: RAD51D is on the minus strand). VCF-style: chr17-35116982-G-A. GRCh37 (hg19) VCF-style: chr17-33444001-G-A.
Other names: c.200C>T, p.Pro67Leu (NM_001142571.2); c.144+2129C>T (NM_133629.3); short protein forms P67L.
Identifiers: ClinVar variation 5027843 (VCV005027843.1).

ClinVar aggregate classification (germline): Uncertain significance (1 of 4 stars; one submission).

Conditions:
Hereditary cancer-predisposing syndrome. Also called: Neoplastic Syndromes, Hereditary; Tumor predisposition; Hereditary neoplastic syndrome; Hereditary Cancer Syndrome. Identifiers: Orphanet 140162, MedGen C0027672, MeSH D009386, MONDO:0015356.

gnomAD v4.1: 1 of 1,613,898 alleles (0.000062%); highest among the groups gnomAD compares: Non-Finnish European, 0.000085%; no homozygotes.

Submission:

Ambry Genetics
Classification: Uncertain significance for Hereditary cancer-predisposing syndrome. Last evaluated: 2026-07-07. Review status: criteria provided, single submitter. Criteria: Ambry Variant Classification Scheme 2023. Collection method: clinical testing. Allele origin: germline.
Comment: The p.P67L variant (also known as c.200C>T), located in coding exon 3 of the RAD51D gene, results from a C to T substitution at nucleotide position 200. The proline at codon 67 is replaced by leucine, an amino acid with similar properties. This amino acid position is conserved. In addition, this alteration is predicted to be tolerated by in silico analysis. Based on the available evidence, the clinical significance of this variant remains unclear.